The following is an entry in ClinVar:

ClinVar aggregate classification (germline): Uncertain significance (1 of 4 stars; one submission).

Conditions:
Menkes kinky-hair syndrome (MNK). Also called: Classic Menkes Disease; Copper transport disease; Menkes Disease. Identifiers: Orphanet 565, MedGen C0022716, MONDO:0010651, OMIM 309400.
X-linked distal spinal muscular atrophy type 3. Also called: ATP7A-Related Distal Motor Neuropathy; SPINAL MUSCULAR ATROPHY, DISTAL, X-LINKED RECESSIVE; NEURONOPATHY, DISTAL HEREDITARY MOTOR, X-LINKED; NEUROPATHY, DISTAL HEREDITARY MOTOR, X-LINKED. Identifiers: Orphanet 139557, MedGen C1845359, MONDO:0010338, OMIM 300489.
Cutis laxa, X-linked (OHS). Also called: EDS IX; Occipital horn syndrome. Identifiers: Orphanet 198, MedGen C0268353, MONDO:0010572, OMIM 304150.

Submission:

Labcorp Genetics (formerly Invitae), Labcorp
Classification: Uncertain significance for X-linked distal spinal muscular atrophy type 3; Cutis laxa, X-linked; Menkes kinky-hair syndrome. Last evaluated: 2023-01-16. Review status: criteria provided, single submitter. Criteria: Invitae Variant Classification Sherloc (09022015). Collection method: clinical testing. Allele origin: unknown.
Comment: In summary, the available evidence is currently insufficient to determine the role of this variant in disease. Therefore, it has been classified as a Variant of Uncertain Significance. Experimental studies and prediction algorithms are not available or were not evaluated, and the functional significance of this variant is currently unknown. This variant has not been reported in the literature in individuals affected with ATP7A-related conditions. This variant results in a copy number gain of the genomic region encompassing exon(s) 8-23 of the ATP7A gene. This region includes the termination codon of the gene. This copy number gain extends beyond the assayed region for this gene and therefore may encompass additional genes. As the precise location of this event is unknown, it may be in tandem or it may be located elsewhere in the genome.

NC_000023.10:g.(?_77266653)_(77302067_?)dup

Gene: ATP7A (ATPase copper transporting alpha; plus strand). Cytogenetic location: Xq21.1.
Variant type: Duplication.
Identifiers: ClinVar variation 3244817 (VCV003244817.1).